The following is an entry in ClinVar:

NM_004448.4(ERBB2):c.2687G>A (p.Arg896His)

Gene: ERBB2 (erb-b2 receptor tyrosine kinase 2; plus strand). Cytogenetic location: 17q12.
Variant type: single nucleotide variant.
Coding change: c.2687G>A on transcript NM_004448.4 (MANE Select); coding-DNA position 2687, G replaced by A.
Protein change: p.Arg896His; replaces arginine 896 with histidine.
Molecular consequence: missense variant. On other transcripts: non-coding transcript variant (1), intron variant (1).
Genome position (GRCh38, 1-based): chr17:39,725,364, G>A. VCF-style: chr17-39725364-G-A. GRCh37 (hg19) VCF-style: chr17-37881617-G-A.
Other names: c.2789G>A, p.Arg930His (NM_001382785.1); c.2768G>A, p.Arg923His (NM_001382786.1); c.2762G>A, p.Arg921His (NM_001382787.1); c.2684G>A, p.Arg895His (NM_001382790.1); c.2208+1704G>A (NM_001382805.1); c.2678G>A, p.Arg893His (NM_001382791.1); c.2651G>A, p.Arg884His (NM_001382792.1); c.2645G>A, p.Arg882His (NM_001382793.1, NM_001382794.1, NM_001382803.1); and 15 more; short protein forms R550H, R828H, R836H, R866H, R881H, R882H, R896H, R903H.
Identifiers: ClinVar variation 2888614 (VCV002888614.3), dbSNP rs777677468, ClinGen allele CA8534360.

ClinVar aggregate classification (germline): Uncertain significance (1 of 4 stars; one submission).

Allele frequency attached by ClinVar (database versions not stated): gnomAD 0.00001; gnomAD exomes 0.00002; TOPMed 0.00003; ExAC 0.00005.
gnomAD v4.1: 27 of 1,613,844 alleles (0.0017%); highest among the groups gnomAD compares: Admixed American, 0.015%; no homozygotes.

Submission:

Labcorp Genetics (formerly Invitae), Labcorp
Classification: Uncertain significance. Last evaluated: 2023-04-28. Review status: criteria provided, single submitter. Criteria: Invitae Variant Classification Sherloc (09022015). Collection method: clinical testing. Allele origin: germline.
Comment: In summary, the available evidence is currently insufficient to determine the role of this variant in disease. Therefore, it has been classified as a Variant of Uncertain Significance. Advanced modeling of protein sequence and biophysical properties (such as structural, functional, and spatial information, amino acid conservation, physicochemical variation, residue mobility, and thermodynamic stability) performed at Invitae indicates that this missense variant is not expected to disrupt ERBB2 protein function. This variant has not been reported in the literature in individuals affected with ERBB2-related conditions. This variant is present in population databases (rs777677468, gnomAD 0.02%). This sequence change replaces arginine, which is basic and polar, with histidine, which is basic and polar, at codon 896 of the ERBB2 protein (p.Arg896His).